The following is an entry in ClinVar:

ClinVar aggregate classification (germline): Uncertain significance (1 of 4 stars; one submission).

Submission:

Greenwood Genetic Center Diagnostic Laboratories, Greenwood Genetic Center
Classification: Uncertain significance. Last evaluated: 2026-04-02. Review status: criteria provided, single submitter. Criteria: ACMG Guidelines, 2015. Collection method: clinical testing. Allele origin: germline.
Comment: PM2, BP4

NM_001379451.1(BCORL1):c.-45+15G>A

Gene: BCORL1 (BCL6 corepressor like 1; plus strand). Cytogenetic location: Xq26.1.
Variant type: single nucleotide variant.
Coding change: c.-45+15G>A on transcript NM_001379451.1 (MANE Select); 15 bases into the intron after 45 bases upstream of the start codon, G replaced by A.
Molecular consequence: intron variant. On other transcripts: 5 prime UTR variant (1).
Genome position (GRCh38, 1-based): chrX:129,982,777, G>A. VCF-style: chrX-129982777-G-A. GRCh37 (hg19) VCF-style: chrX-129116753-G-A.
Other names: c.-158G>A (NM_001379450.1); c.-45+994G>A (NM_001441327.1, NM_001441331.1); c.-45+1025G>A (NM_001184772.3, NM_001441329.1, NM_001441326.1 and 1 more transcripts); c.-45+15G>A (NM_021946.5, NM_001441332.1).
Identifiers: ClinVar variation 4891146 (VCV004891146.1).